The following is an entry in ClinVar:

NM_014639.4(SKIC3):c.4419_4426dup (p.Lys1476delinsArgProTer)

Gene: SKIC3 (SKI3 subunit of superkiller complex; minus strand). Cytogenetic location: 5q15.
Variant type: Duplication.
Coding change: c.4419_4426dup on transcript NM_014639.4 (MANE Select); coding-DNA positions 4419 to 4426, 8 bases duplicated (GGCCTTGA; older notation c.4419_4426dupGGCCTTGA).
Protein change: p.Lys1476delinsArgProTer.
Molecular consequence: nonsense.
Genome position (GRCh38, 1-based): chr5:95,469,850-95,469,857, TCAAGGCC duplicated on the plus strand (GGCCTTGA on the coding strand, the reverse complement: SKIC3 is on the minus strand); duplicating any 8 consecutive bases within chr5:95,469,850-95,469,860 gives the same sequence; the c. name uses the placement nearest the transcript's 3' end. VCF-style (leftmost placement, unchanged base first): chr5-95469849-T-TTCAAGGCC. GRCh37 (hg19) VCF-style: chr5-94805553-T-TTCAAGGCC.
Identifiers: ClinVar variation 3652144 (VCV003652144.2).
Genomic context (GRCh38, chr5:95,469,849, plus strand): 5'-ATTTTGCGTTTGAATTGTAACAAAGCTTGTAAAAGAACAGCCAGTGGACAAAAGCAAAGC[T>TTCAAGGCC]TCAAGGCCTCAGTTGTAGCCTCTTGAACCAAAGATGGCCAGTGATCATTGGAAATGTTAG-3'

ClinVar aggregate classification (germline): Pathogenic (1 of 4 stars; one submission).

Submission:

Labcorp Genetics (formerly Invitae), Labcorp
Classification: Pathogenic. Last evaluated: 2024-12-16. Review status: criteria provided, single submitter. Criteria: Invitae Variant Classification Sherloc (09022015). Collection method: clinical testing. Allele origin: germline.
Comment: This sequence change creates a premature translational stop signal (p.Lys1476Argfs*3) in the TTC37 gene. It is expected to result in an absent or disrupted protein product. Loss-of-function variants in TTC37 are known to be pathogenic (PMID: 20176027, 21120949). This variant is not present in population databases (gnomAD no frequency). This variant has not been reported in the literature in individuals affected with TTC37-related conditions. For these reasons, this variant has been classified as Pathogenic.

Literature cited by the submitters: PubMed 20176027; PubMed 21120949.